The following is an entry in ClinVar:

NM_000152.5(GAA):c.1267G>A (p.Asp423Asn)

Gene: GAA (alpha glucosidase; plus strand). Cytogenetic location: 17q25.3.
Variant type: single nucleotide variant.
Coding change: c.1267G>A on transcript NM_000152.5 (MANE Select); coding-DNA position 1267, G replaced by A.
Protein change: p.Asp423Asn; replaces aspartic acid 423 with asparagine.
Molecular consequence: missense variant.
Genome position (GRCh38, 1-based): chr17:80,108,769, G>A. VCF-style: chr17-80108769-G-A. GRCh37 (hg19) VCF-style: chr17-78082568-G-A.
Other names: c.1267G>A, p.Asp423Asn (NM_001079803.3, NM_001079804.3, NM_001406741.1 and 1 more transcripts); short protein forms D423N.
Identifiers: ClinVar variation 1896084 (VCV001896084.2), dbSNP rs1201294046, ClinGen allele CA401365311.
Genomic context (GRCh38, chr17:80,108,769, plus strand): 5'-AACGACCTGGACTACATGGACTCCCGGAGGGACTTCACGTTCAACAAGGATGGCTTCCGG[G>A]ACTTCCCGGCCATGGTGCAGGAGCTGCACCAGGGCGGCCGGCGCTACATGATGATCGTGG-3'
Protein context (NP_000143.2, residues 413-433): DFTFNKDGFR[Asp423Asn]FPAMVQELHQ

ClinVar aggregate classification (germline): Uncertain significance (1 of 4 stars; one submission).

Conditions:
Glycogen storage disease, type II (IOPD). Also called: POMPE DISEASE, INFANTILE-ONSET; GLYCOGEN STORAGE DISEASE II, INFANTILE-ONSET; ACID ALPHA-GLUCOSIDASE DEFICIENCY, INFANTILE-ONSET; GAA DEFICIENCY, INFANTILE-ONSET; ACID MALTASE DEFICIENCY, INFANTILE-ONSET; CARDIOMEGALIA GLYCOGENICA DIFFUSA. Identifiers: Orphanet 365, MedGen C0017921, MONDO:0009290, OMIM 232300.

gnomAD v4.1: 2 of 1,610,218 alleles (0.00012%); highest among the groups gnomAD compares: South Asian, 0.0011%; no homozygotes.

Submission:

Labcorp Genetics (formerly Invitae), Labcorp
Classification: Uncertain significance for Glycogen storage disease, type II. Last evaluated: 2022-01-28. Review status: criteria provided, single submitter. Criteria: Invitae Variant Classification Sherloc (09022015). Collection method: clinical testing. Allele origin: germline.
Comment: This sequence change replaces aspartic acid, which is acidic and polar, with asparagine, which is neutral and polar, at codon 423 of the GAA protein (p.Asp423Asn). This variant is present in population databases (no rsID available, gnomAD 0.007%). This variant has not been reported in the literature in individuals affected with GAA-related conditions. Algorithms developed to predict the effect of missense changes on protein structure and function are either unavailable or do not agree on the potential impact of this missense change (SIFT: "Tolerated"; PolyPhen-2: "Possibly Damaging"; Align-GVGD: "Class C0"). In summary, the available evidence is currently insufficient to determine the role of this variant in disease. Therefore, it has been classified as a Variant of Uncertain Significance.